The following is an entry in ClinVar:

ClinVar aggregate classification (germline): Uncertain significance (1 of 4 stars; one submission).

Submission:

GeneDx
Classification: Uncertain significance. Last evaluated: 2025-08-16. Review status: criteria provided, single submitter. Criteria: GeneDx Variant Classification Process June 2021. Collection method: clinical testing. Allele origin: germline. Affected: yes.
Comment: Not observed at significant frequency in large population cohorts (gnomAD); In silico analysis suggests that this missense variant does not alter protein structure/function; Has not been previously published as pathogenic or benign to our knowledge

NM_134261.3(RORA):c.538G>A (p.Glu180Lys)

Genes: RORA (RAR related orphan receptor A; minus strand), RORA-AS1 (RORA antisense RNA 1; plus strand). Cytogenetic location: 15q22.2.
Variant type: single nucleotide variant.
Coding change: c.538G>A on transcript NM_134261.3 (MANE Select); coding-DNA position 538, G replaced by A.
Protein change: p.Glu180Lys; replaces glutamic acid 180 with lysine.
Molecular consequence: missense variant.
Genome position (GRCh38, 1-based): chr15:60,511,508, C>T on the plus strand (G>A on the coding strand, the complement: RORA is on the minus strand). VCF-style: chr15-60511508-C-T. GRCh37 (hg19) VCF-style: chr15-60803707-C-T.
Other names: c.613G>A, p.Glu205Lys (NM_002943.4); c.637G>A, p.Glu213Lys (NM_134260.3); c.373G>A, p.Glu125Lys (NM_134262.3); short protein forms E205K, E213K, E180K, E125K.
Identifiers: ClinVar variation 4795362 (VCV004795362.1).